The following is an entry in ClinVar:

NM_003322.6(TULP1):c.245G>A (p.Arg82Gln)

Gene: TULP1 (TUB like protein 1; minus strand). Cytogenetic location: 6p21.31.
Variant type: single nucleotide variant.
Coding change: c.245G>A on transcript NM_003322.6 (MANE Select); coding-DNA position 245, G replaced by A.
Protein change: p.Arg82Gln; replaces arginine 82 with glutamine.
Molecular consequence: missense variant. On other transcripts: intron variant (1).
Genome position (GRCh38, 1-based): chr6:35,511,752, C>T on the plus strand (G>A on the coding strand, the complement: TULP1 is on the minus strand). VCF-style: chr6-35511752-C-T. GRCh37 (hg19) VCF-style: chr6-35479529-C-T.
Other names: c.190+428G>A (NM_001289395.2); short protein forms R82Q.
Identifiers: ClinVar variation 967543 (VCV000967543.7), dbSNP rs753258431, ClinGen allele CA3772982.

ClinVar aggregate classification (germline): Uncertain significance (1 of 4 stars; one submission).

Allele frequency attached by ClinVar (database versions not stated): TOPMed 0.00001; gnomAD exomes 0.00002; gnomAD 0.00003 and 0.00004.

Submission:

Labcorp Genetics (formerly Invitae), Labcorp
Classification: Uncertain significance. Last evaluated: 2024-10-23. Review status: criteria provided, single submitter. Criteria: Invitae Variant Classification Sherloc (09022015). Collection method: clinical testing. Allele origin: germline.
Comment: This sequence change replaces arginine, which is basic and polar, with glutamine, which is neutral and polar, at codon 82 of the TULP1 protein (p.Arg82Gln). The frequency data for this variant in the population databases is considered unreliable, as metrics indicate poor data quality at this position in the gnomAD database. This variant has not been reported in the literature in individuals affected with TULP1-related conditions. ClinVar contains an entry for this variant (Variation ID: 967543). An algorithm developed to predict the effect of missense changes on protein structure and function outputs the following: PolyPhen-2: "Benign". The glutamine amino acid residue is found in multiple mammalian species, which suggests that this missense change does not adversely affect protein function. In summary, the available evidence is currently insufficient to determine the role of this variant in disease. Therefore, it has been classified as a Variant of Uncertain Significance.